The following is an entry in ClinVar:

ClinVar aggregate classification (germline): Uncertain significance (1 of 4 stars; one submission).

Conditions:
Xeroderma pigmentosum, group F (XPF). Also called: XERODERMA PIGMENTOSUM, COMPLEMENTATION GROUP F; XERODERMA PIGMENTOSUM VI; XP, GROUP F; ERCC4-Related Xeroderma Pigmentosum; XERODERMA PIGMENTOSUM, TYPE F; Xeroderma pigmentosum, type 6. Identifiers: MedGen C0268140, MONDO:0010215, OMIM 278760.
Fanconi anemia complementation group Q. Identifiers: Orphanet 84, MedGen C3808988, MONDO:0014108, OMIM 615272.
Cockayne syndrome. Identifiers: Orphanet 191, MedGen C0009207, MONDO:0016006.

gnomAD v4.1: 1 of 1,611,986 alleles (0.000062%); highest among the groups gnomAD compares: Admixed American, 0.0017%; no homozygotes.

Submission:

Labcorp Genetics (formerly Invitae), Labcorp
Classification: Uncertain significance for Fanconi anemia complementation group Q; Xeroderma pigmentosum, group F; Cockayne syndrome. Last evaluated: 2024-05-22. Review status: criteria provided, single submitter. Criteria: Invitae Variant Classification Sherloc (09022015). Collection method: clinical testing. Allele origin: germline.
Comment: This sequence change replaces phenylalanine, which is neutral and non-polar, with leucine, which is neutral and non-polar, at codon 118 of the ERCC4 protein (p.Phe118Leu). This variant is not present in population databases (gnomAD no frequency). This variant has not been reported in the literature in individuals affected with ERCC4-related conditions. Advanced modeling of protein sequence and biophysical properties (such as structural, functional, and spatial information, amino acid conservation, physicochemical variation, residue mobility, and thermodynamic stability) performed at Invitae indicates that this missense variant is not expected to disrupt ERCC4 protein function with a negative predictive value of 80%. In summary, the available evidence is currently insufficient to determine the role of this variant in disease. Therefore, it has been classified as a Variant of Uncertain Significance.

NM_005236.3(ERCC4):c.354C>A (p.Phe118Leu)

Gene: ERCC4 (ERCC excision repair 4, endonuclease catalytic subunit; plus strand). Cytogenetic location: 16p13.12.
Variant type: single nucleotide variant.
Coding change: c.354C>A on transcript NM_005236.3 (MANE Select); coding-DNA position 354, C replaced by A.
Protein change: p.Phe118Leu; replaces phenylalanine 118 with leucine.
Molecular consequence: missense variant.
Genome position (GRCh38, 1-based): chr16:13,922,177, C>A. VCF-style: chr16-13922177-C-A. GRCh37 (hg19) VCF-style: chr16-14016034-C-A.
Other names: short protein forms F118L.
Identifiers: ClinVar variation 3758342 (VCV003758342.2).